The following is an entry in ClinVar:

ClinVar aggregate classification (germline): Uncertain significance (1 of 4 stars; one submission).

Allele frequency attached by ClinVar (database versions not stated): gnomAD exomes below 0.00001 and 0.00002; ExAC 0.00001.
gnomAD v4.1: 2 of 1,614,098 alleles (0.00012%); highest among the groups gnomAD compares: Admixed American, 0.0017%; no homozygotes.

Submission:

Labcorp Genetics (formerly Invitae), Labcorp
Classification: Uncertain significance. Last evaluated: 2021-11-09. Review status: criteria provided, single submitter. Criteria: Invitae Variant Classification Sherloc (09022015). Collection method: clinical testing. Allele origin: germline.
Comment: In summary, the available evidence is currently insufficient to determine the role of this variant in disease. Therefore, it has been classified as a Variant of Uncertain Significance. Algorithms developed to predict the effect of missense changes on protein structure and function are either unavailable or do not agree on the potential impact of this missense change (SIFT: "Tolerated"; PolyPhen-2: "Possibly Damaging"; Align-GVGD: "Class C0"). This variant has not been reported in the literature in individuals affected with ABCC6-related conditions. This variant is present in population databases (rs746211393, gnomAD 0.006%). This sequence change replaces glutamine, which is neutral and polar, with glutamic acid, which is acidic and polar, at codon 480 of the ABCC6 protein (p.Gln480Glu).

NM_001171.6(ABCC6):c.1438C>G (p.Gln480Glu)

Gene: ABCC6 (ATP binding cassette subfamily C member 6; minus strand). Cytogenetic location: 16p13.11.
Variant type: single nucleotide variant.
Coding change: c.1438C>G on transcript NM_001171.6 (MANE Select); coding-DNA position 1438, C replaced by G.
Protein change: p.Gln480Glu; replaces glutamine 480 with glutamic acid.
Molecular consequence: missense variant. On other transcripts: non-coding transcript variant (1).
Genome position (GRCh38, 1-based): chr16:16,190,361, G>C on the plus strand (C>G on the coding strand, the complement: ABCC6 is on the minus strand). VCF-style: chr16-16190361-G-C. GRCh37 (hg19) VCF-style: chr16-16284218-G-C.
Other names: c.1096C>G, p.Gln366Glu (NM_001351800.1); short protein forms Q366E, Q480E.
Identifiers: ClinVar variation 1367820 (VCV001367820.6), dbSNP rs746211393, ClinGen allele CA7926294.
Genomic context (GRCh38, chr16:16,190,361, plus strand): 5'-TCTTCGAGTTCCTGAGGATAGAGCTGGTGAGCCGTGCCCGTGAGTCCTTCTGCCTCATTT[G>C]CTCCTCCTGGGATCGGAGGGAAAAAGAGAGATGAAGACAGGGACAGTTGAGAACTCTTCC-3'
Protein context (NP_001162.5, residues 470-490): SKKRNHHQEE[Gln480Glu]MRQKDSRARL